The following is an entry in ClinVar:

ClinVar aggregate classification (germline): Likely benign (1 of 4 stars; one submission).

gnomAD v4.1: 1,027 of 1,613,808 alleles (0.064%); highest among the groups gnomAD compares: African/African-American, 1.2%; 9 homozygotes.

Submission:

CeGaT Center for Human Genetics Tuebingen
Classification: Likely benign. Last evaluated: 2026-04-01. Review status: criteria provided, single submitter. Criteria: CeGaT Center For Human Genetics Tuebingen Variant Classification Criteria Version 2. Collection method: clinical testing. Allele origin: germline. Affected: yes. Observed: 2 variant alleles.
Comment: P2RY14: BP4, BS1

NM_014879.4(P2RY14):c.959T>C (p.Leu320Pro)

Genes: MED12L (mediator complex subunit 12L; plus strand), P2RY14 (purinergic receptor P2Y14; minus strand). Cytogenetic location: 3q25.1.
Variant type: single nucleotide variant.
Coding change: c.959T>C on transcript NM_014879.4 (MANE Select); coding-DNA position 959, T replaced by C.
Protein change: p.Leu320Pro; replaces leucine 320 with proline.
Molecular consequence: missense variant. On other transcripts: intron variant (2).
Genome position (GRCh38, 1-based): chr3:151,213,358, A>G on the plus strand (T>C on the coding strand, the complement: P2RY14 is on the minus strand). VCF-style: chr3-151213358-A-G. GRCh37 (hg19) VCF-style: chr3-150931146-A-G.
Other names: c.959T>C, p.Leu320Pro (NM_001081455.2); c.2250+19692A>G (NM_001393769.1); c.2145+19692A>G (NM_053002.6); short protein forms L320P.
Identifiers: ClinVar variation 4681409 (VCV004681409.5).